The following is an entry in ClinVar:

ClinVar aggregate classification (germline): Uncertain significance. Review status: criteria provided, multiple submitters, no conflicts (2 of 4 stars). 6 submissions from 2 submitters: Uncertain significance (6). Last evaluated 2020-06-10.

Conditions:
Cardiovascular phenotype. Identifiers: MedGen CN230736.
Early-onset myopathy with fatal cardiomyopathy (CMYO5). Also called: CONGENITAL MYOPATHY 5 WITH CARDIOMYOPATHY; Salih Myopathy. Identifiers: Orphanet 289377, MedGen C2673677, MONDO:0012714, OMIM 611705. Disease mechanism: loss of function.
Tibial muscular dystrophy (TMD). Also called: Udd Distal Myopathy – Tibial Muscular Dystrophy; UDD MYOPATHY; Tibial muscular dystrophy, tardive. Identifiers: Orphanet 609, MedGen C1838244, MONDO:0010870, OMIM 600334.
Myopathy, myofibrillar, 9, with early respiratory failure (MFM9). Also called: Myopathy, distal, with early respiratory failure, autosomal dominant; Hereditary myopathy with early respiratory failure; EDSTROM MYOPATHY; MYOPATHY, PROXIMAL, WITH EARLY RESPIRATORY MUSCLE INVOLVEMENT. Identifiers: Orphanet 178464, Orphanet 34521, MedGen C1863599, MONDO:0011362, OMIM 603689.
Dilated cardiomyopathy 1G (CMD1G). Identifiers: Orphanet 154, MedGen C1858763, MONDO:0011400, OMIM 604145.
Autosomal recessive limb-girdle muscular dystrophy type 2J (LGMDR10). Also called: MUSCULAR DYSTROPHY, LIMB-GIRDLE, AUTOSOMAL RECESSIVE 10; Limb-girdle muscular dystrophy, type 2J. Identifiers: Orphanet 140922, MedGen C1837342, MONDO:0012127, OMIM 608807.

Allele frequency attached by ClinVar (database versions not stated): gnomAD exomes below 0.00001 and 0.00001; gnomAD 0.00001.
gnomAD v4.1: 7 of 1,613,568 alleles (0.00043%); highest among the groups gnomAD compares: Non-Finnish European, 0.00051%; no homozygotes.

Submissions (6):

Ambry Genetics
Classification: Uncertain significance for Cardiovascular phenotype. Last evaluated: 2020-06-10. Review status: criteria provided, single submitter. Criteria: Ambry Variant Classification Scheme 2023. Collection method: clinical testing. Allele origin: germline.
Comment: The p.K18313T variant (also known as c.54938A>C), located in coding exon 153 of the TTN gene, results from an A to C substitution at nucleotide position 54938. The lysine at codon 18313 is replaced by threonine, an amino acid with similar properties. This amino acid position is not well conserved in available vertebrate species. In addition, this alteration is predicted to be tolerated by in silico analysis. Since supporting evidence is limited at this time, the clinical significance of this alteration remains unclear.

Illumina Laboratory Services, Illumina
Classification: Uncertain significance for Autosomal recessive limb-girdle muscular dystrophy type 2J. Last evaluated: 2018-01-13. Review status: criteria provided, single submitter. Criteria: ICSL Variant Classification Criteria 13 December 2019. Collection method: clinical testing. Allele origin: germline.

Illumina Laboratory Services, Illumina
Classification: Uncertain significance for Tibial muscular dystrophy. Last evaluated: 2018-01-13. Review status: criteria provided, single submitter. Criteria: ICSL Variant Classification Criteria 13 December 2019. Collection method: clinical testing. Allele origin: germline.

Illumina Laboratory Services, Illumina
Classification: Uncertain significance for Dilated cardiomyopathy 1G. Last evaluated: 2018-01-13. Review status: criteria provided, single submitter. Criteria: ICSL Variant Classification Criteria 13 December 2019. Collection method: clinical testing. Allele origin: germline.

Illumina Laboratory Services, Illumina
Classification: Uncertain significance for Myopathy, myofibrillar, 9, with early respiratory failure. Last evaluated: 2018-01-13. Review status: criteria provided, single submitter. Criteria: ICSL Variant Classification Criteria 13 December 2019. Collection method: clinical testing. Allele origin: germline.

Illumina Laboratory Services, Illumina
Classification: Uncertain significance for Early-onset myopathy with fatal cardiomyopathy. Last evaluated: 2018-01-13. Review status: criteria provided, single submitter. Criteria: ICSL Variant Classification Criteria 13 December 2019. Collection method: clinical testing. Allele origin: germline.

NM_001267550.2(TTN):c.82133A>C (p.Lys27378Thr)

Genes: TTN (titin; minus strand), TTN-AS1 (TTN antisense RNA 1; plus strand). Cytogenetic location: 2q31.2.
Variant type: single nucleotide variant.
Coding change: c.82133A>C on transcript NM_001267550.2 (MANE Select); coding-DNA position 82133, A replaced by C.
Protein change: p.Lys27378Thr; replaces lysine 27378 with threonine.
Molecular consequence: missense variant.
Genome position (GRCh38, 1-based): chr2:178,563,999, T>G on the plus strand (A>C on the coding strand, the complement: TTN is on the minus strand). VCF-style: chr2-178563999-T-G. GRCh37 (hg19) VCF-style: chr2-179428726-T-G.
Other names: c.77210A>C, p.Lys25737Thr (NM_001256850.1); c.54938A>C, p.Lys18313Thr (NM_003319.4); c.74429A>C, p.Lys24810Thr (NM_133378.4); c.55313A>C, p.Lys18438Thr (NM_133432.3); c.55514A>C, p.Lys18505Thr (NM_133437.4); short protein forms K27378T, K24810T, K18313T, K18505T, K25737T, K18438T.
Identifiers: ClinVar variation 332760 (VCV000332760.7), dbSNP rs886055240, ClinGen allele CA10613242.